The following is an entry in ClinVar:

NM_001374259.2(IL12RB2):c.15T>A (p.Phe5Leu)

Gene: IL12RB2 (interleukin 12 receptor subunit beta 2; plus strand). Cytogenetic location: 1p31.3.
Variant type: single nucleotide variant.
Coding change: c.15T>A on transcript NM_001374259.2 (MANE Select); coding-DNA position 15, T replaced by A.
Protein change: p.Phe5Leu; replaces phenylalanine 5 with leucine.
Molecular consequence: missense variant. On other transcripts: non-coding transcript variant (2).
Genome position (GRCh38, 1-based): chr1:67,320,383, T>A. VCF-style: chr1-67320383-T-A. GRCh37 (hg19) VCF-style: chr1-67786066-T-A.
Other names: c.15T>A, p.Phe5Leu (NM_001258214.1, NM_001258215.1, NM_001258216.1 and 2 more transcripts); short protein forms F5L.
Identifiers: ClinVar variation 1519876 (VCV001519876.8), dbSNP rs200712678, ClinGen allele CA900089.

ClinVar aggregate classification (germline): Uncertain significance (1 of 4 stars; one submission).

Allele frequency attached by ClinVar (database versions not stated): gnomAD exomes 0.00003 and 0.00005; ExAC 0.00009.
gnomAD v4.1: 46 of 1,613,994 alleles (0.0029%); highest among the groups gnomAD compares: Non-Finnish European, 0.0025%; no homozygotes.

Submission:

Labcorp Genetics (formerly Invitae), Labcorp
Classification: Uncertain significance. Last evaluated: 2022-08-22. Review status: criteria provided, single submitter. Criteria: Invitae Variant Classification Sherloc (09022015). Collection method: clinical testing. Allele origin: germline.
Comment: In summary, the available evidence is currently insufficient to determine the role of this variant in disease. Therefore, it has been classified as a Variant of Uncertain Significance. Algorithms developed to predict the effect of missense changes on protein structure and function output the following: SIFT: "Tolerated"; PolyPhen-2: "Benign"; Align-GVGD: "Class C0". The leucine amino acid residue is found in multiple mammalian species, which suggests that this missense change does not adversely affect protein function. ClinVar contains an entry for this variant (Variation ID: 1519876). This variant has not been reported in the literature in individuals affected with IL12RB2-related conditions. This variant is present in population databases (rs200712678, gnomAD 0.02%). This sequence change replaces phenylalanine, which is neutral and non-polar, with leucine, which is neutral and non-polar, at codon 5 of the IL12RB2 protein (p.Phe5Leu).